The following is an entry in ClinVar:

NM_182760.4(SUMF1):c.242_245dup (p.Glu83fs)

Genes: SUMF1 (sulfatase modifying factor 1; minus strand), LOC129936056 (ATAC-STARR-seq lymphoblastoid silent region 14016; plus strand). Cytogenetic location: 3p26.1.
Variant type: Duplication.
Coding change: c.242_245dup on transcript NM_182760.4 (MANE Select); coding-DNA positions 242 to 245, 4 bases duplicated (CCGG; older notation c.242_245dupCCGG).
Protein change: p.Glu83fs; shifts the reading frame from glutamic acid 83.
Molecular consequence: frameshift variant.
Genome position (GRCh38, 1-based): chr3:4,467,001-4,467,004, CCGG duplicated on the plus strand (CCGG on the coding strand, the reverse complement: SUMF1 is on the minus strand). VCF-style (leftmost placement, unchanged base first): chr3-4467000-T-TCCGG. GRCh37 (hg19) VCF-style: chr3-4508684-T-TCCGG.
Other names: c.242_245dup, p.Glu83fs (NM_001164674.2, NM_001164675.2); short protein forms E83fs.
Identifiers: ClinVar variation 4734266 (VCV004734266.1).

ClinVar aggregate classification (germline): Pathogenic (1 of 4 stars; one submission).

Conditions:
Multiple sulfatase deficiency (MSD). Also called: Mucosulfatidosis; Multiple Sulfatase Deficiency Disease; Sulfatidosis, Juvenile, Austin Type. Identifiers: Orphanet 585, MedGen C0268263, MONDO:0010088, OMIM 272200.

Submission:

Labcorp Genetics (formerly Invitae), Labcorp
Classification: Pathogenic for Multiple sulfatase deficiency. Last evaluated: 2026-01-15. Review status: criteria provided, single submitter. Criteria: Invitae Variant Classification Sherloc (09022015). Collection method: clinical testing. Allele origin: germline.
Comment: This sequence change creates a premature translational stop signal (p.Glu83Argfs*24) in the SUMF1 gene. It is expected to result in an absent or disrupted protein product. Loss-of-function variants in SUMF1 are known to be pathogenic (PMID: 12757705, 12757706, 25885655). This variant is not present in population databases (gnomAD no frequency). This variant has not been reported in the literature in individuals affected with SUMF1-related conditions. For these reasons, this variant has been classified as Pathogenic.

Literature cited by the submitters: PubMed 12757705; PubMed 12757706; PubMed 25885655.